The following is an entry in ClinVar:

NM_000321.3(RB1):c.-95A>G

Gene: RB1 (RB transcriptional corepressor 1; plus strand). Cytogenetic location: 13q14.2.
Variant type: single nucleotide variant.
Coding change: c.-95A>G on transcript NM_000321.3 (MANE Select); 95 bases upstream of the start codon, A replaced by G.
Molecular consequence: 5 prime UTR variant.
Genome position (GRCh38, 1-based): chr13:48,303,818, A>G. VCF-style: chr13-48303818-A-G. GRCh37 (hg19) VCF-style: chr13-48877954-A-G.
Other names: c.-95A>G (NM_001407165.1, NM_001407166.1, NM_001407167.1).
Identifiers: ClinVar variation 4798464 (VCV004798464.1).
Genomic context (GRCh38, chr13:48,303,818, plus strand): 5'-GGGCGGGGGAGGGCGCGTCCGGTTTTTCTCAGGGGACGTTGAAATTATTTTTGTAACGGG[A>G]GTCGGGAGAGGACGGGGCGTGCCCCGACGTGCGCGCGCGTCGTCCTCCCCGGCGCTCCTC-3'

ClinVar aggregate classification (germline): Uncertain significance (1 of 4 stars; one submission).

Conditions:
Retinoblastoma (RB1). Also called: RETINOBLASTOMA, SOMATIC. Identifiers: Orphanet 790, MedGen C0035335, MeSH D012175, MONDO:0008380, OMIM 180200, HP:0009919. Disease mechanism: loss of function. Inheritance: Both sporadic and heritable forms are tested..

gnomAD v4.1: 2 of 1,453,388 alleles (0.00014%); highest among the groups gnomAD compares: Non-Finnish European, 0.00018%; no homozygotes.

Submission:

Labcorp Genetics (formerly Invitae), Labcorp
Classification: Uncertain significance for Retinoblastoma. Last evaluated: 2025-03-21. Review status: criteria provided, single submitter. Criteria: Invitae Variant Classification Sherloc (09022015). Collection method: clinical testing. Allele origin: germline.
Comment: This variant occurs in a non-coding region of the RB1 gene. It does not change the encoded amino acid sequence of the RB1 protein. This variant is not present in population databases (gnomAD no frequency). This variant has not been reported in the literature in individuals affected with RB1-related conditions. In summary, the available evidence is currently insufficient to determine the role of this variant in disease. Therefore, it has been classified as a Variant of Uncertain Significance.